The following is an entry in ClinVar:

ClinVar aggregate classification (germline): Conflicting classifications of pathogenicity. Review status: criteria provided, conflicting classifications (1 of 4 stars). 4 submissions from 4 submitters: Uncertain significance (1); Likely benign (2). 1 of the submissions does not count toward it. Last evaluated 2026-01-26.

Conditions:
CIT-related disorder. Also called: CIT-related condition.

Allele frequency attached by ClinVar (database versions not stated): gnomAD exomes 0.00009 and 0.00039; gnomAD 0.00019 and 0.00021; ExAC 0.00031; 1000 Genomes Project 0.00040; 1000 Genomes Project 30x 0.00062; TOPMed 0.00034.
gnomAD v4.1: 170 of 1,609,756 alleles (0.011%); highest among the groups gnomAD compares: Admixed American, 0.24%; 1 homozygote.

Submissions (4):

Labcorp Genetics (formerly Invitae), Labcorp
Classification: Likely benign. Last evaluated: 2026-01-26. Review status: criteria provided, single submitter. Criteria: Invitae Variant Classification Sherloc (09022015). Collection method: clinical testing. Allele origin: germline.

Blueprint Genetics
Classification: Likely benign. Last evaluated: 2024-11-25. Review status: criteria provided, single submitter. Criteria: ACMG Guidelines, 2015. Collection method: clinical testing. Allele origin: germline.

GeneDx
Classification: Uncertain significance. Last evaluated: 2024-02-21. Review status: criteria provided, single submitter. Criteria: GeneDx Variant Classification Process June 2021. Collection method: clinical testing. Allele origin: germline. Affected: yes.
Comment: In silico analysis supports that this missense variant has a deleterious effect on protein structure/function; Has not been previously published as pathogenic or benign to our knowledge

PreventionGenetics, part of Exact Sciences
Classification: Likely benign for CIT-related condition. Last evaluated: 2022-06-28. Review status: no assertion criteria provided. Collection method: clinical testing. Allele origin: germline. Not counted in ClinVar's aggregate classification.
Comment: This variant is classified as likely benign based on ACMG/AMP sequence variant interpretation guidelines (Richards et al. 2015 PMID: 25741868, with internal and published modifications).

NM_001206999.2(CIT):c.232C>T (p.Arg78Trp)

Genes: CIT (citron rho-interacting serine/threonine kinase; minus strand), LOC126861657 (MED14-independent group 3 enhancer GRCh37_chr12:120306702-120307901; plus strand). Cytogenetic location: 12q24.23.
Variant type: single nucleotide variant.
Coding change: c.232C>T on transcript NM_001206999.2 (MANE Select); coding-DNA position 232, C replaced by T.
Protein change: p.Arg78Trp; replaces arginine 78 with tryptophan.
Molecular consequence: missense variant.
Genome position (GRCh38, 1-based): chr12:119,869,066, G>A on the plus strand (C>T on the coding strand, the complement: CIT is on the minus strand). VCF-style: chr12-119869066-G-A. GRCh37 (hg19) VCF-style: chr12-120306870-G-A.
Other names: c.232C>T, p.Arg78Trp (NM_007174.3); short protein forms R78W.
Identifiers: ClinVar variation 734061 (VCV000734061.17), dbSNP rs186505065, ClinGen allele CA6822486.